The following is an entry in ClinVar:

NM_001330260.2(SCN8A):c.2857T>C (p.Cys953Arg)

Gene: SCN8A (sodium voltage-gated channel alpha subunit 8; plus strand). Cytogenetic location: 12q13.13.
Variant type: single nucleotide variant.
Coding change: c.2857T>C on transcript NM_001330260.2 (MANE Select); coding-DNA position 2857, T replaced by C.
Protein change: p.Cys953Arg; replaces cysteine 953 with arginine.
Molecular consequence: missense variant.
Genome position (GRCh38, 1-based): chr12:51,765,983, T>C. VCF-style: chr12-51765983-T-C. GRCh37 (hg19) VCF-style: chr12-52159767-T-C.
Other names: c.2857T>C, p.Cys953Arg (NM_001177984.3, NM_001369788.1, NM_014191.4); short protein forms C953R.
Identifiers: ClinVar variation 3359013 (VCV003359013.2).

ClinVar aggregate classification (germline): Likely pathogenic (1 of 4 stars; one submission).

Conditions:
Developmental and epileptic encephalopathy, 13 (DEE13). Also called: Developmental and Epileptic Encephalopathy (SCN8A-DEE); Early infantile epileptic encephalopathy 13; SCN8A-Related Epilepsy. Identifiers: Orphanet 442835, MedGen C3281191, MONDO:0013801, OMIM 614558.

Submission:

Institute of Human Genetics, University of Leipzig Medical Center
Classification: Likely pathogenic for Developmental and epileptic encephalopathy, 13. Last evaluated: 2024-07-17. Review status: criteria provided, single submitter. Criteria: ACMG Guidelines, 2015. Collection method: clinical testing. Allele origin: unknown. Inheritance: Autosomal dominant inheritance. Affected: yes.
Comment: Criteria applied: PS1,PM5,PP3_MOD,PM2_SUP